The following is an entry in ClinVar:

NM_013275.6(ANKRD11):c.660G>C (p.Leu220=)

Gene: ANKRD11 (ankyrin repeat domain containing 11; minus strand). Cytogenetic location: 16q24.3.
Variant type: single nucleotide variant.
Coding change: c.660G>C on transcript NM_013275.6 (MANE Select); coding-DNA position 660, G replaced by C.
Protein change: p.Leu220=; no amino-acid change (leucine 220 retained).
Molecular consequence: synonymous variant. On other transcripts: non-coding transcript variant (1).
Genome position (GRCh38, 1-based): chr16:89,288,612, C>G on the plus strand (G>C on the coding strand, the complement: ANKRD11 is on the minus strand). VCF-style: chr16-89288612-C-G. GRCh37 (hg19) VCF-style: chr16-89355020-C-G.
Other names: c.660G>C, p.Leu220= (NM_001256182.2, NM_001256183.2).
Identifiers: ClinVar variation 3393688 (VCV003393688.1).

ClinVar aggregate classification (germline): Uncertain significance (1 of 4 stars; one submission).

gnomAD v4.1: 2 of 1,614,116 alleles (0.00012%); highest among the groups gnomAD compares: Admixed American, 0.0033%; no homozygotes.

Submission:

GeneDx
Classification: Uncertain significance. Last evaluated: 2024-07-02. Review status: criteria provided, single submitter. Criteria: GeneDx Variant Classification Process June 2021. Collection method: clinical testing. Allele origin: germline. Affected: yes.
Comment: In silico analysis indicates that this variant does not alter splicing; Has not been previously published as pathogenic or benign to our knowledge